The following is an entry in ClinVar:

NM_001114753.3(ENG):c.14C>T (p.Thr5Met)

Gene: ENG (endoglin; minus strand). Cytogenetic location: 9q34.11.
Variant type: single nucleotide variant.
Coding change: c.14C>T on transcript NM_001114753.3 (MANE Select); coding-DNA position 14, C replaced by T.
Protein change: p.Thr5Met; replaces threonine 5 with methionine.
Molecular consequence: missense variant.
Genome position (GRCh38, 1-based): chr9:127,854,342, G>A on the plus strand (C>T on the coding strand, the complement: ENG is on the minus strand). VCF-style: chr9-127854342-G-A. GRCh37 (hg19) VCF-style: chr9-130616621-G-A.
Other names: p.T5M:ACG>ATG; c.14C>T, p.Thr5Met (NM_000118.4, NM_001406715.1); short protein forms T5M.
Identifiers: ClinVar variation 178774 (VCV000178774.44), dbSNP rs35400405, ClinGen allele CA295808.

ClinVar aggregate classification (germline): Benign/Likely benign. Review status: criteria provided, multiple submitters, no conflicts (2 of 4 stars). 15 submissions from 15 submitters: Benign (9); Likely benign (1). 5 of the submissions do not count toward it. Last evaluated 2026-02-04.

Conditions:
Hereditary hemorrhagic telangiectasia (HHT). Also called: Osler hemorrhagic telangiectasia syndrome; ORW DISEASE; Osler Weber Rendu syndrome; OSLER-RENDU-WEBER DISEASE. Identifiers: Orphanet 774, MedGen C0039445, MONDO:0019180. Disease mechanism: loss of function.
Cardiovascular phenotype. Identifiers: MedGen CN230736.
Telangiectasia, hereditary hemorrhagic, type 1 (HHT1). Also called: Osler Weber Rendu syndrome type 1; ENG-Related Hereditary Hemorrhagic Telangiectasia. Identifiers: Orphanet 774, MedGen C4551861, MONDO:0008535, OMIM 187300. Disease mechanism: loss of function.

Allele frequency attached by ClinVar (database versions not stated): 1000 Genomes Project 0.04073; 1000 Genomes Project 30x 0.04341; gnomAD 0.04370 and 0.04608; ESP Exome Variant Server 0.04944; gnomAD exomes 0.02150 and 0.02028; ExAC 0.04818; TOPMed 0.04890.
gnomAD v4.1: 36,015 of 1,593,366 alleles (2.3%); highest among the groups gnomAD compares: African/African-American, 11%; 753 homozygotes.

Submissions (15):

Labcorp Genetics (formerly Invitae), Labcorp
Classification: Benign for Hereditary hemorrhagic telangiectasia. Last evaluated: 2026-02-04. Review status: criteria provided, single submitter. Criteria: Invitae Variant Classification Sherloc (09022015). Collection method: clinical testing. Allele origin: germline.

ARUP Laboratories, Molecular Genetics and Genomics, ARUP Laboratories
Classification: Benign for Telangiectasia, hereditary hemorrhagic, type 1. Last evaluated: 2025-07-07. Review status: criteria provided, single submitter. Criteria: ARUP Molecular Germline Variant Investigation Process 2024. Collection method: clinical testing. Allele origin: germline.

Blueprint Genetics
Classification: Benign. Last evaluated: 2024-11-27. Review status: criteria provided, single submitter. Criteria: ACMG Guidelines, 2015. Collection method: clinical testing. Allele origin: germline.

Eurofins Ntd Llc (ga)
Classification: Benign. Last evaluated: 2016-07-11. Review status: criteria provided, single submitter. Criteria: EGL Classification Definitions 2015. Collection method: clinical testing. Allele origin: germline. Observed: 3 variant alleles, 3 heterozygotes.

Ambry Genetics
Classification: Benign for Cardiovascular phenotype. Last evaluated: 2015-09-21. Review status: criteria provided, single submitter. Criteria: Ambry Variant Classification Scheme 2023. Collection method: clinical testing. Allele origin: germline.

GeneDx
Classification: Benign. Last evaluated: 2014-09-18. Review status: criteria provided, single submitter. Criteria: GeneDx Variant Classification (06012015). Collection method: clinical testing. Allele origin: germline. Affected: yes.
Comment: This variant is considered likely benign or benign based on one or more of the following criteria: it is a conservative change, it occurs at a poorly conserved position in the protein, it is predicted to be benign by multiple in silico algorithms, and/or has population frequency not consistent with disease.

Laboratory for Molecular Medicine, Mass General Brigham Personalized Medicine
Classification: Benign. Last evaluated: 2014-08-22. Review status: criteria provided, single submitter. Criteria: LMM Criteria. Collection method: clinical testing. Allele origin: germline. Observed: 2 variant alleles.
Comment: Thr5Met in exon 1 of ENG: This variant is not expected to have clinical signific ance because it has been identified in 10% (445/4390) of African American chromo somes by the NHLBI Exome Sequencing Project (dbSNP rs35400405).

Mayo Clinic Laboratories, Mayo Clinic
Classification: Benign. Last evaluated: 2014-01-29. Review status: criteria provided, single submitter. Criteria: ACMG Guidelines, 2015. Collection method: clinical testing. Allele origin: germline. Observed: 80 variant alleles.

Breakthrough Genomics
Classification: Likely benign. Review status: criteria provided, single submitter. Criteria: ACMG Guidelines, 2015. Collection method: not provided. Allele origin: germline. Inheritance: Autosomal dominant inheritance. Affected: yes.

PreventionGenetics, part of Exact Sciences
Classification: Benign. Review status: criteria provided, single submitter. Criteria: ACMG Guidelines, 2015. Collection method: clinical testing. Allele origin: germline.

Clinical Genetics, Academic Medical Center
Classification: Benign. Review status: no assertion criteria provided. Collection method: clinical testing. Allele origin: germline. Affected: yes. Study: VKGL Data-share Consensus. Not counted in ClinVar's aggregate classification.

Diagnostic Laboratory, Department of Genetics, University Medical Center Groningen
Classification: Benign for Telangiectasia, hereditary hemorrhagic, type 1. Review status: no assertion criteria provided. Collection method: clinical testing. Allele origin: germline. Affected: yes. Study: VKGL Data-share Consensus. Not counted in ClinVar's aggregate classification.

Genome Diagnostics Laboratory, Amsterdam University Medical Center
Classification: Benign. Review status: no assertion criteria provided. Collection method: clinical testing. Allele origin: germline. Affected: yes. Study: VKGL Data-share Consensus. Not counted in ClinVar's aggregate classification.

Genome Diagnostics Laboratory, University Medical Center Utrecht
Classification: Benign. Review status: no assertion criteria provided. Collection method: clinical testing. Allele origin: germline. Affected: yes. Study: VKGL Data-share Consensus. Not counted in ClinVar's aggregate classification.

Laboratory of Diagnostic Genome Analysis, Leiden University Medical Center (LUMC)
Classification: Likely benign. Review status: no assertion criteria provided. Collection method: clinical testing. Allele origin: germline. Affected: yes. Study: VKGL Data-share Consensus. Not counted in ClinVar's aggregate classification.

Literature cited by the submitters: PubMed 16429404 (cited by Laboratory for Molecular Medicine, Mass General Brigham Personalized Medicine); PubMed 9245986 (cited by Laboratory for Molecular Medicine, Mass General Brigham Personalized Medicine); PubMed 11343967 (cited by Laboratory for Molecular Medicine, Mass General Brigham Personalized Medicine); PubMed 12786761 (cited by Laboratory for Molecular Medicine, Mass General Brigham Personalized Medicine); PubMed 15712271 (cited by Laboratory for Molecular Medicine, Mass General Brigham Personalized Medicine).